The following is an entry in ClinVar:

NM_015164.4(PLEKHM2):c.655T>A (p.Tyr219Asn)

Gene: PLEKHM2 (pleckstrin homology and RUN domain containing M2; plus strand). Cytogenetic location: 1p36.21.
Variant type: single nucleotide variant.
Coding change: c.655T>A on transcript NM_015164.4 (MANE Select); coding-DNA position 655, T replaced by A.
Protein change: p.Tyr219Asn; replaces tyrosine 219 with asparagine.
Molecular consequence: missense variant. On other transcripts: intron variant (1).
Genome position (GRCh38, 1-based): chr1:15,721,331, T>A. VCF-style: chr1-15721331-T-A. GRCh37 (hg19) VCF-style: chr1-16047826-T-A.
Other names: c.652+1411T>A (NM_001410755.1); short protein forms Y219N.
Identifiers: ClinVar variation 4812451 (VCV004812451.1).
Genomic context (GRCh38, chr1:15,721,331, plus strand): 5'-CAGTCATCCTTCCACTGCCTGTGTTTCTAATCTTCAGTTTTGTCCCTCGTTTTTGTAGAT[T>A]ATGATTTTGGAGATGTGTTTCCAGCAGTGCCGTCTGTACCCAGCACAGACTGGGAAGGTG-3'
Protein context (NP_055979.2, residues 209-229): DSAIAPSSED[Tyr219Asn]DFGDVFPAVP

ClinVar aggregate classification (germline): Uncertain significance (1 of 4 stars; one submission).

gnomAD v4.1: 1 of 1,562,704 alleles (0.000064%); highest among the groups gnomAD compares: Non-Finnish European, 0.000087%; no homozygotes.

Submission:

Labcorp Genetics (formerly Invitae), Labcorp
Classification: Uncertain significance. Last evaluated: 2025-01-28. Review status: criteria provided, single submitter. Criteria: Invitae Variant Classification Sherloc (09022015). Collection method: clinical testing. Allele origin: germline.
Comment: This sequence change replaces tyrosine, which is neutral and polar, with asparagine, which is neutral and polar, at codon 219 of the PLEKHM2 protein (p.Tyr219Asn). This variant is not present in population databases (gnomAD no frequency). This variant has not been reported in the literature in individuals affected with PLEKHM2-related conditions. An algorithm developed to predict the effect of missense changes on protein structure and function (PolyPhen-2) suggests that this variant is likely to be disruptive. In summary, the available evidence is currently insufficient to determine the role of this variant in disease. Therefore, it has been classified as a Variant of Uncertain Significance.